The following is an entry in ClinVar:

ClinVar aggregate classification (germline): Likely benign (0 of 4 stars; one submission).

Conditions:
ERC1-related disorder. Also called: ERC1-related condition.

Allele frequency attached by ClinVar (database versions not stated): ExAC 0.00121; gnomAD exomes 0.00157; 1000 Genomes Project 0.00819; gnomAD 0.00948; 1000 Genomes Project 30x 0.00968; TOPMed 0.01128.
gnomAD v4.1: 2,365 of 702,416 alleles (0.34%); highest among the groups gnomAD compares: African/African-American, 3.1%; 18 homozygotes.

Submission:

PreventionGenetics, part of Exact Sciences
Classification: Likely benign for ERC1-related condition. Last evaluated: 2019-04-10. Review status: no assertion criteria provided. Collection method: clinical testing. Allele origin: germline.
Comment: This variant is classified as likely benign based on ACMG/AMP sequence variant interpretation guidelines (Richards et al. 2015 PMID: 25741868, with internal and published modifications).

NM_178040.4(ERC1):c.3214-9201G>T

Gene: ERC1 (ELKS/RAB6-interacting/CAST family member 1; plus strand). Cytogenetic location: 12p13.33.
Variant type: single nucleotide variant.
Coding change: c.3214-9201G>T on transcript NM_178040.4 (MANE Select); 9201 bases into the intron before coding-DNA position 3214, G replaced by T.
Molecular consequence: intron variant. On other transcripts: 3 prime UTR variant (1).
Genome position (GRCh38, 1-based): chr12:1,480,892, G>T. VCF-style: chr12-1480892-G-T. GRCh37 (hg19) VCF-style: chr12-1590058-G-T.
Other names: c.*2G>T (NM_001301248.1); c.3130-9201G>T (NM_178039.4).
Identifiers: ClinVar variation 3037448 (VCV003037448.2), dbSNP rs112807806, ClinGen allele CA6385065.
Genomic context (GRCh38, chr12:1,480,892, plus strand): 5'-CTTATCCACAGAATCCGTTGCATCCCAAAGCCATGGAAAAACTGCCTTTTTTCATGTGAT[G>T]CTCATGGTAAGGAAATGCAGACGCCCCCAGACGTCCCCCTTACTCTGGGCAGTCTGTTGC-3'